The following is an entry in ClinVar:

ClinVar aggregate classification (germline): Pathogenic (1 of 4 stars; one submission).

Conditions:
Tatton-Brown-Rahman overgrowth syndrome. Also called: Tall stature-intellectual disability-facial dysmorphism syndrome; Tatton-Brown-Rahman syndrome. Identifiers: Orphanet 404443, MedGen C4014545, MONDO:0014382, OMIM 615879.

Allele frequency attached by ClinVar (database versions not stated): TOPMed below 0.00001; gnomAD 0.00001; 1000 Genomes Project 30x 0.00016; 1000 Genomes Project 0.00020.
gnomAD v4.1: 3 of 1,611,882 alleles (0.00019%); highest among the groups gnomAD compares: Admixed American, 0.0017%; no homozygotes.

Submission:

Labcorp Genetics (formerly Invitae), Labcorp
Classification: Pathogenic for Tatton-Brown-Rahman overgrowth syndrome. Last evaluated: 2022-02-28. Review status: criteria provided, single submitter. Criteria: Invitae Variant Classification Sherloc (09022015). Collection method: clinical testing. Allele origin: germline.
Comment: This sequence change creates a premature translational stop signal (p.Glu285*) in the DNMT3A gene. It is expected to result in an absent or disrupted protein product. Loss-of-function variants in DNMT3A are known to be pathogenic (PMID: 24614070). This variant is present in population databases (rs201882909, gnomAD 0.003%). For these reasons, this variant has been classified as Pathogenic. This variant has not been reported in the literature in individuals affected with DNMT3A-related conditions.

Literature cited by the submitters: PubMed 24614070.

NM_022552.5(DNMT3A):c.853G>T (p.Glu285Ter)

Gene: DNMT3A (DNA methyltransferase 3 alpha; minus strand). Cytogenetic location: 2p23.3.
Variant type: single nucleotide variant.
Coding change: c.853G>T on transcript NM_022552.5 (MANE Select); coding-DNA position 853, G replaced by T.
Protein change: p.Glu285Ter; replaces glutamic acid 285 with a stop codon.
Molecular consequence: nonsense. On other transcripts: non-coding transcript variant (1).
Genome position (GRCh38, 1-based): chr2:25,248,039, C>A on the plus strand (G>T on the coding strand, the complement: DNMT3A is on the minus strand). VCF-style: chr2-25248039-C-A. GRCh37 (hg19) VCF-style: chr2-25470908-C-A.
Other names: c.397G>T, p.Glu133Ter (NM_001320893.1); c.184G>T, p.Glu62Ter (NM_001375819.1); c.286G>T, p.Glu96Ter (NM_153759.3); c.853G>T, p.Glu285Ter (NM_175629.2); short protein forms E133*, E285*, E96*, E62*.
Identifiers: ClinVar variation 2104480 (VCV002104480.4), dbSNP rs201882909, ClinGen allele CA1556283.